The following is an entry in ClinVar:

NM_001018113.3(FANCB):c.1105A>C (p.Ser369Arg)

Gene: FANCB (FA complementation group B; minus strand). Cytogenetic location: Xp22.2.
Variant type: single nucleotide variant.
Coding change: c.1105A>C on transcript NM_001018113.3 (MANE Select); coding-DNA position 1105, A replaced by C.
Protein change: p.Ser369Arg; replaces serine 369 with arginine.
Molecular consequence: missense variant.
Genome position (GRCh38, 1-based): chrX:14,857,954, T>G on the plus strand (A>C on the coding strand, the complement: FANCB is on the minus strand). VCF-style: chrX-14857954-T-G. GRCh37 (hg19) VCF-style: chrX-14876076-T-G.
Other names: c.1105A>C, p.Ser369Arg (NM_001324162.2, NM_001410764.1, NM_152633.4); short protein forms S369R.
Identifiers: ClinVar variation 4775653 (VCV004775653.1).

ClinVar aggregate classification (germline): Uncertain significance (1 of 4 stars; one submission).

Conditions:
Fanconi anemia (FA). Also called: Fanconi's anemia. Identifiers: Orphanet 84, MedGen C0015625, MeSH D005199, MONDO:0019391.

gnomAD v4.1: 3 of 1,081,381 alleles (0.00028%); highest among the groups gnomAD compares: South Asian, 0.0019%; no homozygotes.

Submission:

Labcorp Genetics (formerly Invitae), Labcorp
Classification: Uncertain significance for Fanconi anemia. Last evaluated: 2025-07-30. Review status: criteria provided, single submitter. Criteria: Invitae Variant Classification Sherloc (09022015). Collection method: clinical testing. Allele origin: germline.
Comment: This sequence change replaces serine, which is neutral and polar, with arginine, which is basic and polar, at codon 369 of the FANCB protein (p.Ser369Arg). This variant is not present in population databases (gnomAD no frequency). This variant has not been reported in the literature in individuals affected with FANCB-related conditions. An algorithm developed to predict the effect of missense changes on protein structure and function (PolyPhen-2) suggests that this variant is likely to be disruptive. In summary, the available evidence is currently insufficient to determine the role of this variant in disease. Therefore, it has been classified as a Variant of Uncertain Significance.